The following is an entry in ClinVar:

NM_000071.3(CBS):c.1166G>C (p.Arg389Thr)

Gene: CBS (cystathionine beta-synthase; minus strand). Cytogenetic location: 21q22.3.
Variant type: single nucleotide variant.
Coding change: c.1166G>C on transcript NM_000071.3 (MANE Select); coding-DNA position 1166, G replaced by C.
Protein change: p.Arg389Thr; replaces arginine 389 with threonine.
Molecular consequence: missense variant.
Genome position (GRCh38, 1-based): chr21:43,059,283, C>G on the plus strand (G>C on the coding strand, the complement: CBS is on the minus strand). VCF-style: chr21-43059283-C-G. GRCh37 (hg19) VCF-style: chr21-44479393-C-G.
Other names: c.1166G>C, p.Arg389Thr (NM_001178008.3, NM_001178009.3, NM_001320298.2); c.851G>C, p.Arg284Thr (NM_001321072.1); short protein forms R389T, R284T.
Identifiers: ClinVar variation 500050 (VCV000500050.10), dbSNP rs1383178636, ClinGen allele CA410397816.

ClinVar aggregate classification (germline): Uncertain significance. Review status: criteria provided, multiple submitters, no conflicts (2 of 4 stars). 2 submissions from 2 submitters: Uncertain significance (2). Last evaluated 2025-04-07.

Conditions:
Familial thoracic aortic aneurysm and aortic dissection (TAAD). Also called: Thoracic aortic aneurysms and dissections. Identifiers: Orphanet 91387, MedGen C4707243, MONDO:0019625.

Submissions (2):

Ambry Genetics
Classification: Uncertain significance for Familial thoracic aortic aneurysm and aortic dissection. Last evaluated: 2025-04-07. Review status: criteria provided, single submitter. Criteria: Ambry Variant Classification Scheme 2023. Collection method: clinical testing. Allele origin: germline.
Comment: The p.R389T variant (also known as c.1166G>C), located in coding exon 11 of the CBS gene, results from a G to C substitution at nucleotide position 1166. The arginine at codon 389 is replaced by threonine, an amino acid with similar properties. This amino acid position is poorly conserved in available vertebrate species. In addition, the in silico prediction for this alteration is inconclusive. Since supporting evidence is limited at this time, the clinical significance of this alteration remains unclear.

Eurofins Ntd Llc (ga)
Classification: Uncertain significance. Last evaluated: 2017-02-06. Review status: criteria provided, single submitter. Criteria: EGL Classification Definitions 2015. Collection method: clinical testing. Allele origin: germline. Observed: 1 variant allele, 1 heterozygote.